The following is an entry in ClinVar:

NM_003336.4(UBE2A):c.403C>T (p.Arg135Trp)

Gene: UBE2A (ubiquitin conjugating enzyme E2 A; plus strand). Cytogenetic location: Xq24.
Variant type: single nucleotide variant.
Coding change: c.403C>T on transcript NM_003336.4 (MANE Select); coding-DNA position 403, C replaced by T.
Protein change: p.Arg135Trp; replaces arginine 135 with tryptophan.
Molecular consequence: missense variant.
Genome position (GRCh38, 1-based): chrX:119,583,199, C>T. VCF-style: chrX-119583199-C-T. GRCh37 (hg19) VCF-style: chrX-118717162-C-T.
Other names: c.304C>T, p.Arg102Trp (NM_001282161.2); c.313C>T, p.Arg105Trp (NM_181762.3); c.403C>T (NM_003336.3); short protein forms R135W, R102W, R105W.
Identifiers: ClinVar variation 589444 (VCV000589444.11), dbSNP rs767224681, ClinGen allele CA414377053.

ClinVar aggregate classification (germline): Conflicting classifications of pathogenicity. Review status: criteria provided, conflicting classifications (1 of 4 stars). 4 submissions from 4 submitters: Likely pathogenic (1); Uncertain significance (3). Last evaluated 2025-06-13.

Conditions:
Inborn genetic diseases. Identifiers: MedGen C0950123, MeSH D030342.
Intellectual developmental disorder, X-linked, syndromic, Nascimento type. Also called: Syndromic X-linked intellectual disability Nascimento type; MENTAL RETARDATION, X-LINKED, SYNDROMIC 30. Identifiers: Orphanet 163956, MedGen C3275464, MONDO:0010461, OMIM 300860.
UBE2A-related disorder. Also called: UBE2A-related condition.

Submissions (4):

PreventionGenetics, part of Exact Sciences
Classification: Likely pathogenic for UBE2A-related condition. Last evaluated: 2025-06-13. Review status: criteria provided, single submitter. Criteria: ACMG Guidelines, 2015. Collection method: clinical testing. Allele origin: germline.
Comment: The UBE2A c.403C>T variant is predicted to result in the amino acid substitution p.Arg135Trp. This variant was reported as hemizygous in two males from the same family with developmental delay, intellectual disability, speech impairment, and seizures; functional studies of this variant indicated that this variant disrupted UBE2A protein structure and led to accelerated protein degradation (Cordeddu et al. 2020. PubMed ID: 32415735). This variant has not been reported in a large population database (gnomAD), indicating this variant is rare. This variant is interpreted as likely pathogenic.

GeneDx
Classification: Uncertain significance. Last evaluated: 2024-03-02. Review status: criteria provided, single submitter. Criteria: GeneDx Variant Classification Process June 2021. Collection method: clinical testing. Allele origin: germline. Affected: yes.
Comment: Not observed in large population cohorts (gnomAD); In silico analysis, which includes protein predictors and evolutionary conservation, supports a deleterious effect; This variant is associated with the following publications: (PMID: 32415735)

Tartaglia Lab, Genetics and Rare Diseases Research Division, Bambino Gesu' Children's Hospital
Classification: Uncertain significance for Intellectual developmental disorder, X-linked, syndromic, Nascimento type. Last evaluated: 2020-03-27. Review status: criteria provided, single submitter. Criteria: ACMG Guidelines, 2015. Collection method: research. Allele origin: maternal. Affected: yes.

Ambry Genetics
Classification: Uncertain significance for Inborn genetic diseases. Last evaluated: 2016-10-28. Review status: criteria provided, single submitter. Criteria: Ambry Variant Classification Scheme 2023. Collection method: clinical testing. Allele origin: germline.
Comment: The p.R135W variant (also known as c.403C>T), located in coding exon 6 of the UBE2A gene, results from a C to T substitution at nucleotide position 403. The arginine at codon 135 is replaced by tryptophan, an amino acid with dissimilar properties. This variant was not reported in population based cohorts in the following databases: Database of Single Nucleotide Polymorphisms (dbSNP), NHLBI Exome Sequencing Project (ESP), and 1000 Genomes Project. In the ESP, this variant was not observed in 6503 samples with coverage at this position. This amino acid position is well conserved in available vertebrate species. In addition, this alteration is predicted to be tolerated by in silico analysis. Since supporting evidence is limited at this time, the clinical significance of this alteration remains unclear.